The following is an entry in ClinVar:

NM_015175.3(NBEAL2):c.7280G>A (p.Arg2427His)

Gene: NBEAL2 (neurobeachin like 2; plus strand). Cytogenetic location: 3p21.31.
Variant type: single nucleotide variant.
Coding change: c.7280G>A on transcript NM_015175.3 (MANE Select); coding-DNA position 7280, G replaced by A.
Protein change: p.Arg2427His; replaces arginine 2427 with histidine.
Molecular consequence: missense variant.
Genome position (GRCh38, 1-based): chr3:47,007,296, G>A. VCF-style: chr3-47007296-G-A. GRCh37 (hg19) VCF-style: chr3-47048786-G-A.
Other names: p.Arg2427His; c.7178G>A, p.Arg2393His (NM_001365116.2); short protein forms R2393H, R2427H.
Identifiers: ClinVar variation 903569 (VCV000903569.5), dbSNP rs199764240, ClinGen allele CA2362100.

ClinVar aggregate classification (germline): Uncertain significance. Review status: criteria provided, multiple submitters, no conflicts (2 of 4 stars). 2 submissions from 2 submitters: Uncertain significance (2). Last evaluated 2023-09-27.

Conditions:
Gray platelet syndrome (GPS). Also called: BLEEDING DISORDER, PLATELET-TYPE, 4. Identifiers: Orphanet 721, MedGen C0272302, MONDO:0007686, OMIM 139090.

Allele frequency attached by ClinVar (database versions not stated): ESP Exome Variant Server 0.00008; gnomAD 0.00010; TOPMed 0.00011; gnomAD exomes 0.00015; ExAC 0.00017.
gnomAD v4.1: 237 of 1,611,760 alleles (0.015%); highest among the groups gnomAD compares: Non-Finnish European, 0.018%; no homozygotes.

Submissions (2):

Mayo Clinic Laboratories, Mayo Clinic
Classification: Uncertain significance. Last evaluated: 2023-09-27. Review status: criteria provided, single submitter. Criteria: ACMG Guidelines, 2015. Collection method: clinical testing. Allele origin: germline. Observed: 1 variant allele.
Comment: BP4

Illumina Laboratory Services, Illumina
Classification: Uncertain significance for Gray platelet syndrome. Last evaluated: 2018-01-13. Review status: criteria provided, single submitter. Criteria: ICSL Variant Classification Criteria 13 December 2019. Collection method: clinical testing. Allele origin: germline.